The following is an entry in ClinVar:

NM_000222.3(KIT):c.1990+5A>T

Gene: KIT (KIT proto-oncogene, receptor tyrosine kinase; plus strand). Cytogenetic location: 4q12.
Variant type: single nucleotide variant.
Coding change: c.1990+5A>T on transcript NM_000222.3 (MANE Select); 5 bases into the intron after coding-DNA position 1990, A replaced by T.
Molecular consequence: intron variant.
Genome position (GRCh38, 1-based): chr4:54,728,126, A>T. VCF-style: chr4-54728126-A-T. GRCh37 (hg19) VCF-style: chr4-55594292-A-T.
Other names: c.1993+5A>T (NM_001385284.1, NM_001385290.1); c.1981+5A>T (NM_001385288.1, NM_001385292.1); c.1990+5A>T (NM_001385285.1); c.1978+5A>T (NM_001093772.2, NM_001385286.1).
Identifiers: ClinVar variation 2847397 (VCV002847397.3), dbSNP rs2109782317, ClinGen allele CA2706086784.

ClinVar aggregate classification (germline): Uncertain significance (1 of 4 stars; one submission).

Conditions:
Gastrointestinal stromal tumor. Also called: Gastrointestinal stromal tumor, somatic; Gastrointestinal stroma tumor. Identifiers: Orphanet 44890, MedGen C0238198, MeSH D046152, MONDO:0011719, OMIM 606764, HP:0100723.

Submission:

Labcorp Genetics (formerly Invitae), Labcorp
Classification: Uncertain significance for Gastrointestinal stromal tumor. Last evaluated: 2023-03-24. Review status: criteria provided, single submitter. Criteria: Invitae Variant Classification Sherloc (09022015). Collection method: clinical testing. Allele origin: germline.
Comment: In summary, the available evidence is currently insufficient to determine the role of this variant in disease. Therefore, it has been classified as a Variant of Uncertain Significance. This sequence change falls in intron 13 of the KIT gene. It does not directly change the encoded amino acid sequence of the KIT protein. It affects a nucleotide within the consensus splice site. This variant is not present in population databases (gnomAD no frequency). This variant has not been reported in the literature in individuals affected with KIT-related conditions. Variants that disrupt the consensus splice site are a relatively common cause of aberrant splicing (PMID: 17576681, 9536098). Algorithms developed to predict the effect of sequence changes on RNA splicing suggest that this variant is not likely to affect RNA splicing.

Literature cited by the submitters: PubMed 17576681; PubMed 9536098.